The following is an entry in ClinVar:

NM_001384474.1(LOXHD1):c.2729C>T (p.Pro910Leu)

Gene: LOXHD1 (lipoxygenase homology PLAT domains 1; minus strand). Cytogenetic location: 18q21.1.
Variant type: single nucleotide variant.
Coding change: c.2729C>T on transcript NM_001384474.1 (MANE Select); coding-DNA position 2729, C replaced by T.
Protein change: p.Pro910Leu; replaces proline 910 with leucine.
Molecular consequence: missense variant.
Genome position (GRCh38, 1-based): chr18:46,560,415, G>A on the plus strand (C>T on the coding strand, the complement: LOXHD1 is on the minus strand). VCF-style: chr18-46560415-G-A. GRCh37 (hg19) VCF-style: chr18-44140378-G-A.
Other names: c.2729C>T, p.Pro910Leu (NM_144612.7); c.2729C>T (NM_144612.6); short protein forms P910L.
Identifiers: ClinVar variation 930147 (VCV000930147.8), dbSNP rs534815867, ClinGen allele CA299794501.
Genomic context (GRCh38, chr18:46,560,415, plus strand): 5'-TCCTTCTTGAGCAGCTGCCGCAGCTTGTCCTTCTCCTTCTTCTTCCGGGCCTCCTCCTCC[G>A]GCGTGAGGTCCACCTCCCGCACCACCAGGTGCCGCAGCCACACGGTGTCCACGAACCAGC-3'
Protein context (NP_001371403.1, residues 900-920): HLVVREVDLT[Pro910Leu]EEEARKKKEK

ClinVar aggregate classification (germline): Uncertain significance. Review status: criteria provided, multiple submitters, no conflicts (2 of 4 stars). 4 submissions from 4 submitters: Uncertain significance (2). 2 of the submissions do not count toward it. Last evaluated 2024-04-07.

Conditions:
LOXHD1-related disorder. Also called: LOXHD1-related condition.
Autosomal recessive nonsyndromic hearing loss 77. Identifiers: Orphanet 90636, MedGen C2746083, MONDO:0013119, OMIM 613079.

Allele frequency attached by ClinVar (database versions not stated): gnomAD 0.00001; 1000 Genomes Project 30x 0.00016; 1000 Genomes Project 0.00020.
gnomAD v4.1: 18 of 1,548,366 alleles (0.0012%); highest among the groups gnomAD compares: Middle Eastern, 0.05%; 1 homozygote.

Submissions (4):

Labcorp Genetics (formerly Invitae), Labcorp
Classification: Uncertain significance. Last evaluated: 2024-04-07. Review status: criteria provided, single submitter. Criteria: Invitae Variant Classification Sherloc (09022015). Collection method: clinical testing. Allele origin: germline.
Comment: This sequence change replaces proline, which is neutral and non-polar, with leucine, which is neutral and non-polar, at codon 910 of the LOXHD1 protein (p.Pro910Leu). This variant is present in population databases (rs534815867, gnomAD 0.006%). This variant has not been reported in the literature in individuals affected with LOXHD1-related conditions. ClinVar contains an entry for this variant (Variation ID: 930147). An algorithm developed to predict the effect of missense changes on protein structure and function (PolyPhen-2) suggests that this variant¬†is likely to be tolerated. In summary, the available evidence is currently insufficient to determine the role of this variant in disease. Therefore, it has been classified as a Variant of Uncertain Significance.

Laboratory for Molecular Medicine, Mass General Brigham Personalized Medicine
Classification: Uncertain significance. Last evaluated: 2019-11-27. Review status: criteria provided, single submitter. Criteria: LMM Criteria. Collection method: clinical testing. Allele origin: germline. Observed: 1 variant allele.
Comment: The p.Pro910Leu variant in LOXHD1 has not been previously reported in individuals with hearing loss and was absent from large population studies. Computational prediction tools and conservation analysis suggest that this variant may not impact the protein, though this information is not predictive enough to rule out pathogenicity. In summary, the clinical significance of this variant is uncertain. ACMG/AMP Criteria applied: PM2, BP4.

PreventionGenetics, part of Exact Sciences
Classification: Uncertain significance for LOXHD1-related condition. Last evaluated: 2023-11-28. Review status: no assertion criteria provided. Collection method: clinical testing. Allele origin: germline. Not counted in ClinVar's aggregate classification.
Comment: The LOXHD1 c.2729C>T variant is predicted to result in the amino acid substitution p.Pro910Leu. To our knowledge, this variant has not been reported in the literature or in a large population database, indicating this variant is rare. At this time, the clinical significance of this variant is uncertain due to the absence of conclusive functional and genetic evidence.

Natera, Inc.
Classification: Uncertain significance for Autosomal recessive deafness type 77. Last evaluated: 2020-03-11. Review status: no assertion criteria provided. Collection method: clinical testing. Allele origin: germline. Not counted in ClinVar's aggregate classification.